The following is an entry in ClinVar:

ClinVar aggregate classification (germline): Uncertain significance (1 of 4 stars; one submission).

Allele frequency attached by ClinVar (database versions not stated): gnomAD exomes below 0.00001; TOPMed below 0.00001; gnomAD 0.00001.
gnomAD v4.1: 5 of 1,613,882 alleles (0.00031%); highest among the groups gnomAD compares: Admixed American, 0.0017%; no homozygotes.

Submission:

Labcorp Genetics (formerly Invitae), Labcorp
Classification: Uncertain significance. Last evaluated: 2021-07-30. Review status: criteria provided, single submitter. Criteria: Invitae Variant Classification Sherloc (09022015). Collection method: clinical testing. Allele origin: germline.
Comment: In summary, the available evidence is currently insufficient to determine the role of this variant in disease. Therefore, it has been classified as a Variant of Uncertain Significance. Algorithms developed to predict the effect of sequence changes on RNA splicing suggest that this variant may create or strengthen a splice site. Algorithms developed to predict the effect of missense changes on protein structure and function are either unavailable or do not agree on the potential impact of this missense change (SIFT: "Tolerated"; PolyPhen-2: "Probably Damaging"; Align-GVGD: "Class C0"). This variant has not been reported in the literature in individuals affected with DNAJC21-related conditions. This variant is not present in population databases (ExAC no frequency). This sequence change replaces tyrosine with cysteine at codon 111 of the DNAJC21 protein (p.Tyr111Cys). The tyrosine residue is highly conserved and there is a large physicochemical difference between tyrosine and cysteine.

NM_001012339.3(DNAJC21):c.332A>G (p.Tyr111Cys)

Gene: DNAJC21 (DnaJ heat shock protein family (Hsp40) member C21; plus strand). Cytogenetic location: 5p13.2.
Variant type: single nucleotide variant.
Coding change: c.332A>G on transcript NM_001012339.3 (MANE Select); coding-DNA position 332, A replaced by G.
Protein change: p.Tyr111Cys; replaces tyrosine 111 with cysteine.
Molecular consequence: missense variant.
Genome position (GRCh38, 1-based): chr5:34,936,160, A>G. VCF-style: chr5-34936160-A-G. GRCh37 (hg19) VCF-style: chr5-34936265-A-G.
Other names: c.332A>G, p.Tyr111Cys (NM_001348420.2, NM_194283.4); short protein forms Y111C.
Identifiers: ClinVar variation 1448091 (VCV001448091.6), dbSNP rs1764766314, ClinGen allele CA359413527.
Genomic context (GRCh38, chr5:34,936,160, plus strand): 5'-GGCTGCAAAAGTATTAAGAATTTGTTTTTGTTACTGTTTTTTAGGGATTTTACACGGTGT[A>G]TCGTAATGTTTTTGAAATGATTGCCAAGGAAGAACTAGAATCTGTGTTAGAGGAAGAGGT-3'
Protein context (NP_001012339.2, residues 101-121): GDDEKGFYTV[Tyr111Cys]RNVFEMIAKE